The following is an entry in ClinVar:

NM_000222.3(KIT):c.1648-10C>T

Gene: KIT (KIT proto-oncogene, receptor tyrosine kinase; plus strand). Cytogenetic location: 4q12.
Variant type: single nucleotide variant.
Coding change: c.1648-10C>T on transcript NM_000222.3 (MANE Select); 10 bases into the intron before coding-DNA position 1648, C replaced by T.
Molecular consequence: intron variant.
Genome position (GRCh38, 1-based): chr4:54,727,406, C>T. VCF-style: chr4-54727406-C-T. GRCh37 (hg19) VCF-style: chr4-55593572-C-T.
Other names: c.1651-10C>T (NM_001385284.1, NM_001385290.1); c.1639-10C>T (NM_001385288.1, NM_001385292.1); c.1648-10C>T (NM_001385285.1); c.1636-10C>T (NM_001093772.2, NM_001385286.1).
Identifiers: ClinVar variation 745421 (VCV000745421.12), dbSNP rs1198418224, ClinGen allele CA796349428.

ClinVar aggregate classification (germline): Likely benign. Review status: criteria provided, multiple submitters, no conflicts (2 of 4 stars). 3 submissions from 3 submitters: Likely benign (3). Last evaluated 2026-05-27.

Conditions:
KIT-related disorder. Also called: KIT-related condition.
Gastrointestinal stromal tumor. Also called: Gastrointestinal stromal tumor, somatic; Gastrointestinal stroma tumor. Identifiers: Orphanet 44890, MedGen C0238198, MeSH D046152, MONDO:0011719, OMIM 606764, HP:0100723.

Allele frequency attached by ClinVar (database versions not stated): gnomAD exomes below 0.00001; TOPMed below 0.00001; gnomAD 0.00001.
gnomAD v4.1: 2 of 1,614,012 alleles (0.00012%); highest among the groups gnomAD compares: Non-Finnish European, 0.00017%; no homozygotes.

Submissions (3):

Myriad Genetics, Inc.
Classification: Likely benign for Gastrointestinal stromal tumor. Last evaluated: 2026-05-27. Review status: criteria provided, single submitter. Criteria: Myriad Autosomal Dominant, Autosomal Recessive and X-Linked Classification Criteria (2023). Collection method: clinical testing. Allele origin: unknown.
Comment: This variant is considered likely benign. This variant is intronic and is not expected to impact mRNA splicing.

PreventionGenetics, part of Exact Sciences
Classification: Likely benign for KIT-related condition. Last evaluated: 2025-10-27. Review status: criteria provided, single submitter. Criteria: ACMG Guidelines, 2015. Collection method: clinical testing. Allele origin: germline.
Comment: This variant is classified as likely benign based on ACMG/AMP sequence variant interpretation guidelines (Richards et al. 2015 PMID: 25741868, with internal and published modifications).

Labcorp Genetics (formerly Invitae), Labcorp
Classification: Likely benign for Gastrointestinal stromal tumor. Last evaluated: 2025-09-24. Review status: criteria provided, single submitter. Criteria: Invitae Variant Classification Sherloc (09022015). Collection method: clinical testing. Allele origin: germline.